The following is an entry in ClinVar:

ClinVar aggregate classification (germline): Likely benign (1 of 4 stars; one submission).

gnomAD v4.1: 67 of 1,603,138 alleles (0.0042%); highest among the groups gnomAD compares: Middle Eastern, 0.083%; no homozygotes.

Submission:

CeGaT Center for Human Genetics Tuebingen
Classification: Likely benign. Last evaluated: 2026-05-01. Review status: criteria provided, single submitter. Criteria: CeGaT Center For Human Genetics Tuebingen Variant Classification Criteria Version 2. Collection method: clinical testing. Allele origin: germline. Affected: yes. Observed: 1 variant allele.
Comment: FRMD4A: BP4, BP7

NM_018027.5(FRMD4A):c.519C>T (p.Ala173=)

Gene: FRMD4A (FERM domain containing 4A; minus strand). Cytogenetic location: 10p13.
Variant type: single nucleotide variant.
Coding change: c.519C>T on transcript NM_018027.5 (MANE Select); coding-DNA position 519, C replaced by T.
Protein change: p.Ala173=; no amino-acid change (alanine 173 retained).
Molecular consequence: synonymous variant.
Genome position (GRCh38, 1-based): chr10:13,747,765, G>A on the plus strand (C>T on the coding strand, the complement: FRMD4A is on the minus strand). VCF-style: chr10-13747765-G-A. GRCh37 (hg19) VCF-style: chr10-13789765-G-A.
Other names: c.618C>T, p.Ala206= (NM_001318337.2); c.567C>T, p.Ala189= (NM_001318336.2).
Identifiers: ClinVar variation 4872520 (VCV004872520.2).
Genomic context (GRCh38, chr10:13,747,765, plus strand): 5'-TCGCTCCTGGGGAAGACTCCAGGGGTCTTACCAGTAGGCCAGGGAAGGGTGCTCCTTCAG[G>A]GCTTGGGTGGGAAGGGCTGGCAGCTTCTTCAAGTCACTCCTCACAACTTCATTGCTGAAA-3'
Protein context (NP_060497.3, residues 163-183): LKKLPALPTQ[Ala173=]LKEHPSLAYC